The following is an entry in ClinVar:

ClinVar aggregate classification (germline): Benign/Likely benign. Review status: criteria provided, multiple submitters, no conflicts (2 of 4 stars). 3 submissions from 3 submitters: Benign (1); Likely benign (2). Last evaluated 2025-11-03.

Conditions:
Protoporphyria, erythropoietic, 1 (EPP1). Also called: Erythropoietic Protoporphyria, Autosomal Recessive; FERROCHELATASE DEFICIENCY; HEME SYNTHETASE DEFICIENCY. Identifiers: Orphanet 79278, MedGen C4692546, MONDO:0008319, OMIM 177000.

Allele frequency attached by ClinVar (database versions not stated): gnomAD exomes 0.00034 and 0.00048; ExAC 0.00038; ESP Exome Variant Server 0.00038; TOPMed 0.00052; gnomAD 0.00066 and 0.00071.
gnomAD v4.1: 599 of 1,613,994 alleles (0.037%); highest among the groups gnomAD compares: Admixed American, 0.057%; no homozygotes.

Submissions (3):

Labcorp Genetics (formerly Invitae), Labcorp
Classification: Likely benign. Last evaluated: 2025-11-03. Review status: criteria provided, single submitter. Criteria: Invitae Variant Classification Sherloc (09022015). Collection method: clinical testing. Allele origin: germline.

Blueprint Genetics
Classification: Likely benign. Last evaluated: 2024-11-21. Review status: criteria provided, single submitter. Criteria: ACMG Guidelines, 2015. Collection method: clinical testing. Allele origin: germline.

Illumina Laboratory Services, Illumina
Classification: Benign for Protoporphyria, erythropoietic, 1. Last evaluated: 2018-01-13. Review status: criteria provided, single submitter. Criteria: ICSL Variant Classification Criteria 13 December 2019. Collection method: clinical testing. Allele origin: germline.
Comment: This variant was observed in the ICSL laboratory as part of a predisposition screen in an ostensibly healthy population. It had not been previously curated by ICSL or reported in the Human Gene Mutation Database (HGMD: prior to June 1st, 2018), and was therefore a candidate for classification through an automated scoring system. Utilizing variant allele frequency, disease prevalence and penetrance estimates, and inheritance mode, an automated score was calculated to assess if this variant is too frequent to cause the disease. Based on the score and internal cut-off values, a variant classified as benign is not then subjected to further curation. The score for this variant resulted in a classification of benign for this disease.

NM_000140.5(FECH):c.598+12T>A

Gene: FECH (ferrochelatase; minus strand). Cytogenetic location: 18q21.31.
Variant type: single nucleotide variant.
Coding change: c.598+12T>A on transcript NM_000140.5 (MANE Select); 12 bases into the intron after coding-DNA position 598, T replaced by A.
Molecular consequence: intron variant.
Genome position (GRCh38, 1-based): chr18:57,566,435, A>T on the plus strand (T>A on the coding strand, the complement: FECH is on the minus strand). VCF-style: chr18-57566435-A-T. GRCh37 (hg19) VCF-style: chr18-55233667-A-T.
Other names: c.598+12T>A (NM_001371094.1, NM_001374778.1); c.616+12T>A (NM_001012515.4); c.382+12T>A (NM_001371095.1).
Identifiers: ClinVar variation 327430 (VCV000327430.13), dbSNP rs370521491, ClinGen allele CA8973164.